The following is an entry in ClinVar:

ClinVar aggregate classification (germline): Uncertain significance. Review status: criteria provided, multiple submitters, no conflicts (2 of 4 stars). 2 submissions from 2 submitters: Uncertain significance (2). Last evaluated 2024-09-18.

Conditions:
Inborn genetic diseases. Identifiers: MedGen C0950123, MeSH D030342.

Allele frequency attached by ClinVar (database versions not stated): gnomAD exomes below 0.00001; gnomAD 0.00001; TOPMed 0.00002.
gnomAD v4.1: 3 of 1,614,014 alleles (0.00019%); highest among the groups gnomAD compares: Admixed American, 0.0017%; no homozygotes.

Submissions (2):

Labcorp Genetics (formerly Invitae), Labcorp
Classification: Uncertain significance. Last evaluated: 2024-09-18. Review status: criteria provided, single submitter. Criteria: Invitae Variant Classification Sherloc (09022015). Collection method: clinical testing. Allele origin: germline.
Comment: This sequence change replaces cysteine, which is neutral and slightly polar, with serine, which is neutral and polar, at codon 74 of the BNC2 protein (p.Cys74Ser). This variant is present in population databases (no rsID available, gnomAD 0.003%). This variant has not been reported in the literature in individuals affected with BNC2-related conditions. ClinVar contains an entry for this variant (Variation ID: 2511999). An algorithm developed to predict the effect of missense changes on protein structure and function (PolyPhen-2) suggests that this variant is likely to be tolerated. In summary, the available evidence is currently insufficient to determine the role of this variant in disease. Therefore, it has been classified as a Variant of Uncertain Significance.

Ambry Genetics
Classification: Uncertain significance for Inborn genetic diseases. Last evaluated: 2023-04-07. Review status: criteria provided, single submitter. Criteria: Ambry Variant Classification Scheme 2023. Collection method: clinical testing. Allele origin: germline.

NM_017637.6(BNC2):c.221G>C (p.Cys74Ser)

Gene: BNC2 (basonuclin zinc finger protein 2; minus strand). Cytogenetic location: 9p22.2.
Variant type: single nucleotide variant.
Coding change: c.221G>C on transcript NM_017637.6 (MANE Select); coding-DNA position 221, G replaced by C.
Protein change: p.Cys74Ser; replaces cysteine 74 with serine.
Molecular consequence: missense variant. On other transcripts: intron variant (1).
Genome position (GRCh38, 1-based): chr9:16,727,906, C>G on the plus strand (G>C on the coding strand, the complement: BNC2 is on the minus strand). VCF-style: chr9-16727906-C-G. GRCh37 (hg19) VCF-style: chr9-16727904-C-G.
Other names: c.95G>C, p.Cys32Ser (NM_001317939.2); c.45+104338G>C (NM_001317940.2); short protein forms C32S, C74S.
Identifiers: ClinVar variation 2511999 (VCV002511999.4), dbSNP rs1009218937, ClinGen allele CA190569746.